The following continues an entry in ClinVar:

NM_207346.3(TSEN54):c.919G>T (p.Ala307Ser)

ClinVar aggregate classification (germline): Pathogenic/Likely pathogenic. Pathogenic (40); Likely pathogenic (1).

Submissions 28 to 49 of 57:

Baylor Genetics
Classification: Pathogenic for Pontocerebellar hypoplasia type 4. Last evaluated: 2020-06-19. Review status: criteria provided, single submitter. Criteria: ACMG Guidelines, 2015. Collection method: clinical testing. Allele origin: unknown. Affected: yes.
Comment: This variant was determined to be pathogenic according to ACMG Guidelines, 2015 [PMID:25741868].

Women's Health and Genetics/Laboratory Corporation of America, LabCorp
Classification: Pathogenic for Pontoneocerebellar hypoplasia. Last evaluated: 2019-11-08. Review status: criteria provided, single submitter. Criteria: LabCorp Variant Classification Summary - May 2015. Collection method: clinical testing. Allele origin: germline.
Comment: Variant summary: TSEN54 c.919G>T (p.Ala307Ser) results in a conservative amino acid change in the encoded protein sequence. Three of five in-silico tools predict a damaging effect of the variant on protein function. The variant allele was found at a frequency of 0.0009 in 209398 control chromosomes (gnomAD). c.919G>T has been reported in the literature in multiple individuals affected with Pontocerebellar hypoplasia (e.g. Namavar_2011). These data indicate that the variant is very likely to be associated with disease. GeneReviews indicates the variant to be a common disease variant. Eight ClinVar submissions (evaluation after 2014) cite the variant as pathogenic. Based on the evidence outlined above, the variant was classified as pathogenic.

Equipe Genetique des Anomalies du Developpement, Université de Bourgogne
Classification: Pathogenic for Pontocerebellar hypoplasia type 5; Methylmalonic aciduria and homocystinuria type cblD; Pontocerebellar hypoplasia type 4. Last evaluated: 2019-09-04. Review status: criteria provided, single submitter. Criteria: ACMG Guidelines, 2015. Collection method: clinical testing. Allele origin: maternal. Inheritance: Autosomal recessive inheritance. Affected: yes.
Comment: This variant was observed in compound heterozygosity with variant c.953del

Illumina Laboratory Services, Illumina
Classification: Pathogenic for Pontoneocerebellar hypoplasia. Last evaluated: 2018-12-19. Review status: criteria provided, single submitter. Criteria: ICSLVariantClassificationCriteria RUGD 01 April 2020. Collection method: clinical testing. Allele origin: unknown.
Comment: The TSEN54 c.919G>T (p.Ala307Ser) variant is well-described in the literature as the most common pathogenic variant in individuals with varied subtypes of pontocerebellar hypoplasia (PCH). The p.Ala307Ser variant is reported in three studies and was found in a total of 57 patients, including 45 patients in a homozygous state, three in a compound heterozygous state and nine in a heterozygous state (Budde et al. 2008; Cassandrini et al. 2010; Namavar et al. 2011). Segregation of the variant with the disease in a recessive manner was shown in a large family (Budde et al. 2008). The p.Ala307Ser variant was absent from 724/730 controls, and is reported at a frequency of 0.00173 in the European (non-Finnish) population of the Genome Aggregation Database. Based on the collective evidence, the p.Ala307Ser variant is classified as pathogenic for pontocerebellar hypoplasia.

Broad Center for Mendelian Genomics, Broad Institute of MIT and Harvard
Classification: Pathogenic for Pontocerebellar hypoplasia type 2A. Last evaluated: 2018-12-03. Review status: criteria provided, single submitter. Criteria: ACMG Guidelines, 2015. Collection method: research. Allele origin: germline. Inheritance: Autosomal recessive inheritance. Affected: yes.
Comment: The homozygous p.Ala307Ser variant in TSEN54 was identified by our study in two siblings with pontocerebellar hypoplasia. This variant has been identified in 0.09241% (216/233752) of chromosomes by the Genome Aggregation Database (gnomAD; dbSNP rs113994152). Although this variant has been seen in the general population, its frequency is low enough to be consistent with a recessive carrier frequency. Computational prediction tools and conservational analyses do not provide strong support for or against an impact to the protein. The p.Ala307Ser variant in TSEN54 has been reported in 88 homozygous or heterozygous individuals with pontocerebellar hypoplasia, segregated with disease in 20 affected relatives from 10 families, and is believed to be a founder variant from the Netherlands (PMID: 23307886, 21368912, 29410950, 20803644, 27570394, 18711368, 24886362). The presence of this variant in combination with loss of function and missense variants (reported pathogenic in the literature) and in 8 individuals with pontocerebellar hypoplasia, included in the 88 individuals mentioned earlier, increases the likelihood that the p.Ala307Ser variant is pathogenic. This variant has also been reported pathogenic by multiple submitters in ClinVar (Variation ID: 2120). In summary, the p.Ala307Ser variant is pathogenic based off of our findings and multiple reports in ClinVar. ACMG/AMP Criteria applied: PM2, PM3_Strong, PP1_Strong (Richards 2015).

Eurofins Ntd Llc (ga)
Classification: Pathogenic. Last evaluated: 2017-11-29. Review status: criteria provided, single submitter. Criteria: EGL Classification Definitions 2015. Collection method: clinical testing. Allele origin: germline. Observed: 3 variant alleles, 3 heterozygotes.

Baylor Genetics
Classification: Pathogenic for Pontocerebellar hypoplasia type 2A; Pontocerebellar hypoplasia type 4. Last evaluated: 2017-09-01. Review status: criteria provided, single submitter. Criteria: ACMG Guidelines, 2015. Collection method: clinical testing. Allele origin: germline. Inheritance: Autosomal recessive inheritance. Affected: yes.
Comment: This variant has been previously reported as disease-causing and was found six times in our laboratory, either homozygous or compound heterozygous, in individuals with pontocerebellar hypoplasia. Heterozygotes would be expected to be asymptomatic carriers.

Laboratory for Molecular Medicine, Mass General Brigham Personalized Medicine
Classification: Pathogenic for Pontoneocerebellar hypoplasia. Last evaluated: 2017-03-28. Review status: criteria provided, single submitter. Criteria: LMM Criteria. Collection method: clinical testing. Allele origin: germline. Inheritance: Autosomal recessive inheritance. Observed: 1 variant allele.
Comment: The p.Ala307Ser (NM_207346.2 c.919G>T) variant in TSEN54 has been reported in gr eater than 30 homozygous or compound heterozygous individuals with pontocerebell ar hypoplasia and segregated in several affected family members (Budde 2008, Cas sandrini 2010, Graham 2010, Simonati 2011, Valayannopoulos 2012, Zafeiriou 2013, Sanchez-Albisua 2014, Battini 2014, Maras-Genc 2015, and Samanta 2016). This va riant has been identified in 69/33,364 of European chromosomes by the Exome Aggr egation Consortium (ExAC; dbSNP rs113994152). Al though this variant has been seen in the general population, its frequency is lo w enough to be consistent with a recessive carrier frequency. In summary, this v ariant meets criteria to be classified as pathogenic for pontocerebellar hypopla sia in an autosomal recessive manner based upon its biallelic occurrence in pati ents and segregation in affected family members.

Center for Pediatric Genomic Medicine, Children's Mercy Hospital and Clinics
Classification: Pathogenic. Last evaluated: 2017-01-27. Review status: criteria provided, single submitter. Criteria: ACMG Guidelines, 2015. Collection method: clinical testing. Allele origin: germline.

Centre for Mendelian Genomics, University Medical Centre Ljubljana
Classification: Pathogenic for Amblyopia; Global developmental delay; Hypertonia. Last evaluated: 2017-01-01. Review status: criteria provided, single submitter. Criteria: ACMG Guidelines, 2015. Collection method: clinical testing. Allele origin: unknown. Affected: yes.

Centre for Mendelian Genomics, University Medical Centre Ljubljana
Classification: Pathogenic for Pontocerebellar hypoplasia type 5. Last evaluated: 2016-01-01. Review status: criteria provided, single submitter. Criteria: ACMG Guidelines, 2015. Collection method: clinical testing. Allele origin: unknown. Affected: yes.
Comment: This variant was classified as: Pathogenic. This variant was detected in homozygous state.

Centre for Mendelian Genomics, University Medical Centre Ljubljana
Classification: Pathogenic for Global developmental delay; Microcephaly. Last evaluated: 2015-09-10. Review status: criteria provided, single submitter. Criteria: ACMG Guidelines, 2015. Collection method: clinical testing. Allele origin: unknown. Affected: yes.

Centre for Mendelian Genomics, University Medical Centre Ljubljana
Classification: Pathogenic for Cerebellar hypoplasia. Last evaluated: 2014-06-06. Review status: criteria provided, single submitter. Criteria: ACMG Guidelines, 2015. Collection method: clinical testing. Allele origin: unknown. Affected: yes.

Genetic Services Laboratory, University of Chicago
Classification: Pathogenic for olivopontocerebellar hypoplasia. Last evaluated: 2014-02-25. Review status: criteria provided, single submitter. Criteria: ACMG Guidelines, 2007. Collection method: clinical testing. Allele origin: germline. Inheritance: Autosomal recessive inheritance. Affected: yes.

OMIM
Classification: Pathogenic for PONTOCEREBELLAR HYPOPLASIA, TYPE 2A. Last evaluated: 2011-06-01. Review status: no assertion criteria provided. Collection method: literature only. Allele origin: germline. Not counted in ClinVar's aggregate classification.

OMIM
Classification: Pathogenic for PONTOCEREBELLAR HYPOPLASIA, TYPE 4. Last evaluated: 2011-06-01. Review status: no assertion criteria provided. Collection method: literature only. Allele origin: germline. Not counted in ClinVar's aggregate classification.

OMIM
Classification: Pathogenic for PONTOCEREBELLAR HYPOPLASIA, TYPE 5. Last evaluated: 2011-06-01. Review status: no assertion criteria provided. Collection method: literature only. Allele origin: germline. Not counted in ClinVar's aggregate classification.

Clinical Genetics DNA and cytogenetics Diagnostics Lab, Erasmus MC, Erasmus Medical Center
Classification: Pathogenic. Review status: no assertion criteria provided. Collection method: clinical testing. Allele origin: germline. Affected: yes. Study: VKGL Data-share Consensus. Not counted in ClinVar's aggregate classification.

Diagnostic Laboratory, Department of Genetics, University Medical Center Groningen
Classification: Pathogenic. Review status: no assertion criteria provided. Collection method: clinical testing. Allele origin: germline. Affected: yes. Study: VKGL Data-share Consensus. Not counted in ClinVar's aggregate classification.

Dr. Peter K. Rogan Lab, Western University
No classification provided (evidence only). Condition: Melanoma. Review status: no classification provided. Collection method: in vitro. Allele origin: not applicable. Functional consequence: cryptic splice site. Not counted in ClinVar's aggregate classification.

Dr. Peter K. Rogan Lab, Western University
No classification provided (evidence only). Condition: Thyroid cancer, nonmedullary, 1. Review status: no classification provided. Collection method: in vitro. Allele origin: not applicable. Functional consequence: cryptic splice site. Not counted in ClinVar's aggregate classification.

Dr. Peter K. Rogan Lab, Western University
No classification provided (evidence only). Condition: Uterine corpus endometrial carcinoma. Review status: no classification provided. Collection method: in vitro. Allele origin: not applicable. Functional consequence: cryptic splice site. Not counted in ClinVar's aggregate classification.